The following is an entry in ClinVar:

ClinVar aggregate classification (germline): Pathogenic (1 of 4 stars; one submission).

Conditions:
Autosomal recessive limb-girdle muscular dystrophy type 2O. Also called: Limb-Girdle Muscular Dystrophy Type 3C; MUSCULAR DYSTROPHY-DYSTROGLYCANOPATHY (LIMB-GIRDLE), TYPE C, 3; MUSCULAR DYSTROPHY-DYSTROGLYCANOPATHY, LIMB-GIRDLE, POMGNT1-RELATED. Identifiers: Orphanet 206564, MedGen C3150417, MONDO:0013161, OMIM 613157.
Muscular dystrophy-dystroglycanopathy (congenital with impaired intellectual development), type B, 3. Also called: MUSCULAR DYSTROPHY, CONGENITAL, POMGNT1-RELATED; Muscular dystrophy-dystroglycanopathy (congenital with intellectual disability), type B3. Identifiers: MedGen C3150412, MONDO:0013155, OMIM 613151.

Submission:

Labcorp Genetics (formerly Invitae), Labcorp
Classification: Pathogenic for Autosomal recessive limb-girdle muscular dystrophy type 2O; Muscular dystrophy-dystroglycanopathy (congenital with impaired intellectual development), type B, 3. Last evaluated: 2023-12-30. Review status: criteria provided, single submitter. Criteria: Invitae Variant Classification Sherloc (09022015). Collection method: clinical testing. Allele origin: germline.
Comment: This sequence change creates a premature translational stop signal (p.Ala594Profs*40) in the POMGNT1 gene. While this is not anticipated to result in nonsense mediated decay, it is expected to disrupt the last 67 amino acid(s) of the POMGNT1 protein. This variant is not present in population databases (gnomAD no frequency). This variant has not been reported in the literature in individuals affected with POMGNT1-related conditions. This variant disrupts a region of the POMGNT1 protein in which other variant(s) (p.Val626Serfs*8) have been determined to be pathogenic (PMID: 12788071, 12849864). This suggests that this is a clinically significant region of the protein, and that variants that disrupt it are likely to be disease-causing. For these reasons, this variant has been classified as Pathogenic.

Literature cited by the submitters: PubMed 12788071; PubMed 12849864.

NM_017739.4(POMGNT1):c.1780del (p.Ala594fs)

Genes: POMGNT1 (protein O-linked mannose N-acetylglucosaminyltransferase 1 (beta 1,2-); minus strand), TSPAN1 (tetraspanin 1; plus strand). Cytogenetic location: 1p34.1.
Variant type: Deletion.
Coding change: c.1780del on transcript NM_017739.4 (MANE Select); coding-DNA position 1780, one base deleted (G; older notation c.1780delG).
Protein change: p.Ala594fs; shifts the reading frame from alanine 594.
Molecular consequence: frameshift variant.
Genome position (GRCh38, 1-based): chr1:46,189,859, C deleted on the plus strand (G on the coding strand, the reverse complement: POMGNT1 is on the minus strand). VCF-style (leftmost placement, unchanged base first): chr1-46189858-GC-G. GRCh37 (hg19) VCF-style: chr1-46655530-GC-G.
Other names: c.1780del, p.Ala594fs (NM_001243766.2, NM_001410783.1); c.1714delG, p.Ala572Profs (NM_001290129.3); c.1351del, p.Ala451fs (NM_001290130.2); short protein forms A572fs, A594fs, A451fs.
Identifiers: ClinVar variation 2921808 (VCV002921808.3), dbSNP rs2525343053, ClinGen allele CA2740090690.